The following is an entry in ClinVar:

NM_001118887.2(ANGPT2):c.878C>T (p.Thr293Met)

Genes: ANGPT2 (angiopoietin 2; minus strand), MCPH1 (microcephalin 1; plus strand). Cytogenetic location: 8p23.1.
Variant type: single nucleotide variant.
Coding change: c.878C>T on transcript NM_001118887.2 (MANE Select); coding-DNA position 878, C replaced by T.
Protein change: p.Thr293Met; replaces threonine 293 with methionine.
Molecular consequence: missense variant. On other transcripts: intron variant (6).
Genome position (GRCh38, 1-based): chr8:6,519,913, G>A on the plus strand (C>T on the coding strand, the complement: ANGPT2 is on the minus strand). VCF-style: chr8-6519913-G-A. GRCh37 (hg19) VCF-style: chr8-6377434-G-A.
Other names: c.725C>T, p.Thr242Met (NM_001118888.2); c.881C>T, p.Thr294Met (NM_001147.3, NM_001386336.1); c.722C>T, p.Thr241Met (NM_001386335.1); c.878C>T, p.Thr293Met (NM_001386337.1); c.2214+19984G>A (NM_001322042.2, NM_024596.5, NM_001363979.1 and 2 more transcripts); c.1935+64661G>A (NM_001363980.2); c.881C>T (NM_001147.2); short protein forms T241M, T242M, T293M, T294M.
Identifiers: ClinVar variation 3388926 (VCV003388926.14).
Genomic context (GRCh38, chr8:6,519,913, plus strand): 5'-GAATACCTCACCTTGATCTCTTCTGTAGAATTAGGGAATGTTAACGTGTAGATGCCATTC[G>A]TGGTGTGTCCTGATTTGAATACTTCAGCACAGTCTCTGAAGCTGATTTGTTCTTCTTTAG-3'
Protein context (NP_001112359.1, residues 283-303): CAEVFKSGHT[Thr293Met]NGIYTLTFPN

ClinVar aggregate classification (germline): Conflicting classifications of pathogenicity. Review status: criteria provided, conflicting classifications (1 of 4 stars). 2 submissions from 2 submitters: Uncertain significance (1); Likely benign (1). Last evaluated 2025-03-16.

gnomAD v4.1: 17 of 1,613,866 alleles (0.0011%); highest among the groups gnomAD compares: Middle Eastern, 0.033%; no homozygotes.

Submissions (2):

Ambry Genetics
Classification: Uncertain significance. Last evaluated: 2025-03-16. Review status: criteria provided, single submitter. Criteria: Ambry Variant Classification Scheme 2023. Collection method: clinical testing. Allele origin: germline.

CeGaT Center for Human Genetics Tuebingen
Classification: Likely benign. Last evaluated: 2024-11-01. Review status: criteria provided, single submitter. Criteria: CeGaT Center For Human Genetics Tuebingen Variant Classification Criteria Version 2. Collection method: clinical testing. Allele origin: germline. Affected: yes. Observed: 1 variant allele.
Comment: ANGPT2: BP4